The following is an entry in ClinVar:

NM_001029896.2(WDR45):c.206G>C (p.Gly69Ala)

Genes: WDR45 (WD repeat domain 45; minus strand), LOC126863256 (BRD4-independent group 4 enhancer GRCh37_chrX:48934848-48936047; plus strand). Cytogenetic location: Xp11.23.
Variant type: single nucleotide variant.
Coding change: c.206G>C on transcript NM_001029896.2 (MANE Select); coding-DNA position 206, G replaced by C.
Protein change: p.Gly69Ala; replaces glycine 69 with alanine.
Molecular consequence: missense variant.
Genome position (GRCh38, 1-based): chrX:49,077,672, C>G on the plus strand (G>C on the coding strand, the complement: WDR45 is on the minus strand). VCF-style: chrX-49077672-C-G. GRCh37 (hg19) VCF-style: chrX-48935331-C-G.
Other names: c.206G>C, p.Gly69Ala (NM_007075.4); short protein forms G69A.
Identifiers: ClinVar variation 1446397 (VCV001446397.6), dbSNP rs373549198, ClinGen allele CA10408599.

ClinVar aggregate classification (germline): Uncertain significance (1 of 4 stars; one submission).

Conditions:
Neurodegeneration with brain iron accumulation 5 (NBIA5). Also called: Beta-propeller protein-associated neurodegeneration; STATIC ENCEPHALOPATHY OF CHILDHOOD WITH NEURODEGENERATION IN ADULTHOOD. Identifiers: Orphanet 329284, MedGen C3550973, MONDO:0010476, OMIM 300894.

Allele frequency attached by ClinVar (database versions not stated): gnomAD 0.00001; gnomAD exomes 0.00001; TOPMed 0.00002; ESP Exome Variant Server 0.00009.
gnomAD v4.1: 10 of 1,198,766 alleles (0.00083%); highest among the groups gnomAD compares: Non-Finnish European, 0.0011%; no homozygotes.

Submission:

Labcorp Genetics (formerly Invitae), Labcorp
Classification: Uncertain significance for Neurodegeneration with brain iron accumulation 5. Last evaluated: 2024-04-10. Review status: criteria provided, single submitter. Criteria: Invitae Variant Classification Sherloc (09022015). Collection method: clinical testing. Allele origin: germline.
Comment: This sequence change replaces glycine, which is neutral and non-polar, with alanine, which is neutral and non-polar, at codon 69 of the WDR45 protein (p.Gly69Ala). This variant is not present in population databases (gnomAD no frequency). This variant has not been reported in the literature in individuals affected with WDR45-related conditions. ClinVar contains an entry for this variant (Variation ID: 1446397). Advanced modeling of protein sequence and biophysical properties (such as structural, functional, and spatial information, amino acid conservation, physicochemical variation, residue mobility, and thermodynamic stability) has been performed at Invitae for this missense variant, however the output from this modeling did not meet the statistical confidence thresholds required to predict the impact of this variant on WDR45 protein function. In summary, the available evidence is currently insufficient to determine the role of this variant in disease. Therefore, it has been classified as a Variant of Uncertain Significance.